The following is an entry in ClinVar:

ClinVar aggregate classification (germline): Uncertain significance (1 of 4 stars; one submission).

Conditions:
BTD-related disorder. Also called: BTD-related condition.

gnomAD v4.1: 103 of 1,611,632 alleles (0.0064%); highest among the groups gnomAD compares: Non-Finnish European, 0.0081%; no homozygotes.

Submission:

PreventionGenetics, part of Exact Sciences
Classification: Uncertain significance for BTD-related condition. Last evaluated: 2026-01-22. Review status: criteria provided, single submitter. Criteria: ACMG Guidelines, 2015. Collection method: clinical testing. Allele origin: germline.
Comment: The BTD c.501A>C variant is predicted to result in the amino acid substitution p.Arg167Ser. To our knowledge, this variant has not been reported in the literature. This variant is reported in 0.011% of alleles in individuals of European (Non-Finnish) descent in gnomAD. At this time, the clinical significance of this variant is uncertain due to the absence of conclusive functional and genetic evidence.

NM_001370658.1(BTD):c.399+42A>C

Gene: BTD (biotinidase; plus strand). Cytogenetic location: 3p25.1.
Variant type: single nucleotide variant.
Coding change: c.399+42A>C on transcript NM_001370658.1 (MANE Select); 42 bases into the intron after coding-DNA position 399, A replaced by C.
Molecular consequence: intron variant. On other transcripts: missense variant (13).
Genome position (GRCh38, 1-based): chr3:15,642,099, A>C. VCF-style: chr3-15642099-A-C. GRCh37 (hg19) VCF-style: chr3-15683606-A-C.
Other names: c.441A>C, p.Arg147Ser (NM_001281726.3, NM_001407382.1, NM_001407383.1 and 9 more transcripts); c.504A>C, p.Arg168Ser (NM_001407381.1); c.399+42A>C (NM_001407365.1, NM_001370752.1, NM_001407379.1 and 24 more transcripts); short protein forms R168S, R147S.
Identifiers: ClinVar variation 4992522 (VCV004992522.1).